The following is an entry in ClinVar:

NM_013275.6(ANKRD11):c.1124C>T (p.Thr375Met)

Gene: ANKRD11 (ankyrin repeat domain 11; minus strand). Cytogenetic location: 16q24.3.
Variant type: single nucleotide variant.
Coding change: c.1124C>T on transcript NM_013275.6 (MANE Select); coding-DNA position 1124, C replaced by T.
Protein change: p.Thr375Met; replaces threonine 375 with methionine.
Molecular consequence: missense variant.
Genome position (GRCh38, 1-based): chr16:89,285,418, G>A on the plus strand (C>T on the coding strand, the complement: ANKRD11 is on the minus strand). VCF-style: chr16-89285418-G-A. GRCh37 (hg19) VCF-style: chr16-89351826-G-A.
Other names: c.1124C>T, p.Thr375Met (NM_001256182.2, NM_001256183.2); short protein forms T375M.
Identifiers: ClinVar variation 1220390 (VCV001220390.10), dbSNP rs559672667, ClinGen allele CA8242854.

ClinVar aggregate classification (germline): Likely benign. Review status: criteria provided, multiple submitters, no conflicts (2 of 4 stars). 5 submissions from 5 submitters: Likely benign (4). 1 of the submissions does not count toward it. Last evaluated 2024-11-06.

Conditions:
ANKRD11-related disorder. Also called: ANKRD11-related condition.
Inborn genetic diseases. Identifiers: MedGen C0950123, MeSH D030342.
KBG syndrome (KBGS). Also called: ANKRD11-Related KBG Syndrome. Identifiers: Orphanet 2332, MedGen C0220687, MONDO:0007846, OMIM 148050.

Allele frequency attached by ClinVar (database versions not stated): ExAC 0.00004; gnomAD exomes 0.00004 and 0.00008; TOPMed 0.00008; gnomAD 0.00009; 1000 Genomes Project 30x 0.00016; 1000 Genomes Project 0.00020.
gnomAD v4.1: 75 of 1,614,070 alleles (0.0046%); highest among the groups gnomAD compares: Admixed American, 0.028%; no homozygotes.

Submissions (5):

Blueprint Genetics
Classification: Likely benign. Last evaluated: 2024-11-06. Review status: criteria provided, single submitter. Criteria: ACMG Guidelines, 2015. Collection method: clinical testing. Allele origin: germline.

Labcorp Genetics (formerly Invitae), Labcorp
Classification: Likely benign for KBG syndrome. Last evaluated: 2024-09-16. Review status: criteria provided, single submitter. Criteria: Invitae Variant Classification Sherloc (09022015). Collection method: clinical testing. Allele origin: germline.

Ambry Genetics
Classification: Likely benign for Inborn genetic diseases. Last evaluated: 2021-12-07. Review status: criteria provided, single submitter. Criteria: Ambry Variant Classification Scheme 2023. Collection method: clinical testing. Allele origin: germline.

GeneDx
Classification: Likely benign. Last evaluated: 2019-08-26. Review status: criteria provided, single submitter. Criteria: GeneDx Variant Classification Process June 2021. Collection method: clinical testing. Allele origin: germline. Affected: yes.

PreventionGenetics, part of Exact Sciences
Classification: Likely benign for ANKRD11-related condition. Last evaluated: 2024-03-19. Review status: no assertion criteria provided. Collection method: clinical testing. Allele origin: germline. Not counted in ClinVar's aggregate classification.
Comment: This variant is classified as likely benign based on ACMG/AMP sequence variant interpretation guidelines (Richards et al. 2015 PMID: 25741868, with internal and published modifications).